The following is an entry in ClinVar:

NM_000540.3(RYR1):c.4621-9C>G

Gene: RYR1 (ryanodine receptor 1; plus strand). Cytogenetic location: 19q13.2.
Variant type: single nucleotide variant.
Coding change: c.4621-9C>G on transcript NM_000540.3 (MANE Select); 9 bases into the intron before coding-DNA position 4621, C replaced by G.
Molecular consequence: intron variant.
Genome position (GRCh38, 1-based): chr19:38,483,018, C>G. VCF-style: chr19-38483018-C-G. GRCh37 (hg19) VCF-style: chr19-38973658-C-G.
Other names: c.4621-9C>G (NM_001042723.2).
Identifiers: ClinVar variation 3074352 (VCV003074352.1), dbSNP rs1969090689, ClinGen allele CA2825002805.
Genomic context (GRCh38, chr19:38,483,018, plus strand): 5'-TTGAGGTCCAGAGTCAACCCTCCCTCCAGCCCACCCGTTTGCTCACCTCGTCCTCTTCTC[C>G]TCTGCCAGGTGGAACCCAACACTAAGCTATTTCCTGCCGTCTTCGTCCTGCCCACCCACC-3'

ClinVar aggregate classification (germline): Uncertain significance (1 of 4 stars; one submission).

Conditions:
Malignant hyperthermia, susceptibility to, 1 (MHS1). Also called: Anesthesia related hyperthermia; Malignant hyperpyrexia; Fulminating hyperpyrexia; Pharmacogenic myopathy; RYR1-Related Malignant Hyperthermia Susceptibility; Malignant hyperthermia suceptibility 1. Identifiers: Orphanet 423, MedGen C2930980, MONDO:0007783, OMIM 145600.

Submission:

All of Us Research Program, National Institutes of Health
Classification: Uncertain significance for Malignant hyperthermia, susceptibility to, 1. Last evaluated: 2023-11-02. Review status: criteria provided, single submitter. Criteria: ACMG Guidelines, 2015. Collection method: clinical testing. Allele origin: germline. Inheritance: Autosomal dominant inheritance. Observed: 1 variant allele, 1 heterozygote.
Comment: This variant causes a C to G nucleotide substitution at the -9 position of intron 31 of the RYR1 gene. To our knowledge, functional studies have not been reported for this variant. This variant has not been reported in individuals affected with RYR1-related disorders in the literature. This variant has not been identified in the general population by the Genome Aggregation Database (gnomAD). The available evidence is insufficient to determine the role of this variant in disease conclusively. Therefore, this variant is classified as a Variant of Uncertain Significance.

This study involves interpretation of variants in research participants for the purpose of population health screening. Participant phenotype was not available at the time of variant classification. Additional details can be found in publication PMID: 35346344, PMCID: PMC8962531